The following is an entry in ClinVar:

NM_000266.4(NDP):c.310A>C (p.Lys104Gln)

Genes: NDP (norrin cystine knot growth factor NDP; minus strand), NDP-AS1 (NDP antisense RNA 1; plus strand). Cytogenetic location: Xp11.3.
Variant type: single nucleotide variant.
Coding change: c.310A>C on transcript NM_000266.4 (MANE Select); coding-DNA position 310, A replaced by C.
Protein change: p.Lys104Gln; replaces lysine 104 with glutamine.
Molecular consequence: missense variant. On other transcripts: non-coding transcript variant (1).
Genome position (GRCh38, 1-based): chrX:43,949,891, T>G on the plus strand (A>C on the coding strand, the complement: NDP is on the minus strand). VCF-style: chrX-43949891-T-G. GRCh37 (hg19) VCF-style: chrX-43809137-T-G.
Other names: short protein forms K104Q.
Identifiers: ClinVar variation 3249783 (VCV003249783.14).

ClinVar aggregate classification (germline): Pathogenic. Review status: criteria provided, multiple submitters, no conflicts (2 of 4 stars). 2 submissions from 2 submitters: Pathogenic (2). Last evaluated 2024-12-01.

Conditions:
Retinal dystrophy. Also called: Inherited retinal dystrophy. Identifiers: Orphanet 71862, MedGen C0854723, MeSH D058499, MONDO:0019118, HP:0000556.

Submissions (2):

CeGaT Center for Human Genetics Tuebingen
Classification: Pathogenic. Last evaluated: 2024-12-01. Review status: criteria provided, single submitter. Criteria: CeGaT Center For Human Genetics Tuebingen Variant Classification Criteria Version 2. Collection method: clinical testing. Allele origin: germline. Affected: yes. Observed: 1 variant allele.
Comment: NDP: PP1:Strong, PM2, PM5, PS4:Moderate, PP3

Institute of Human Genetics, Univ. Regensburg, Univ. Regensburg
Classification: Pathogenic for Retinal dystrophy. Last evaluated: 2012-01-01. Review status: criteria provided, single submitter. Criteria: ACMG Guidelines, 2015. Collection method: clinical testing. Allele origin: germline. Affected: yes.

Literature cited by the submitters: PubMed 7795608 (cited by Institute of Human Genetics, Univ. Regensburg, Univ. Regensburg); PubMed 27720678 (cited by Institute of Human Genetics, Univ. Regensburg, Univ. Regensburg).